The following is an entry in ClinVar:

NM_001365536.1(SCN9A):c.293T>A (p.Phe98Tyr)

Gene: SCN9A (sodium voltage-gated channel alpha subunit 9; minus strand). Cytogenetic location: 2q24.3.
Variant type: single nucleotide variant.
Coding change: c.293T>A on transcript NM_001365536.1 (MANE Select); coding-DNA position 293, T replaced by A.
Protein change: p.Phe98Tyr; replaces phenylalanine 98 with tyrosine.
Molecular consequence: missense variant.
Genome position (GRCh38, 1-based): chr2:166,307,040, A>T on the plus strand (T>A on the coding strand, the complement: SCN9A is on the minus strand). VCF-style: chr2-166307040-A-T. GRCh37 (hg19) VCF-style: chr2-167163550-A-T.
Other names: c.293T>A, p.Phe98Tyr (NM_002977.4); short protein forms F98Y.
Identifiers: ClinVar variation 1037492 (VCV001037492.9), dbSNP rs1698783802, ClinGen allele CA349095681.
Genomic context (GRCh38, chr2:166,307,040, plus strand): 5'-ATTCTTCTTAGAGGACTGAAAGGAGAAAGCATATATAAAGCAGGTGTGGCATTGAAACGG[A>T]AGATTGTTTTCCCTTTGTTCAATACTATGAAAGTCTGCAGGAGGAAAAAGAAAGGATGAA-3'
Protein context (NP_001352465.1, residues 88-108): FIVLNKGKTI[Phe98Tyr]RFNATPALYM

ClinVar aggregate classification (germline): Uncertain significance (1 of 4 stars; one submission).

Conditions:
Generalized epilepsy with febrile seizures plus, type 7 (GEFSP7). Also called: GEFS+, TYPE 7. Identifiers: Orphanet 36387, MedGen C2751778, MONDO:0013470, OMIM 613863.
Neuropathy, hereditary sensory and autonomic, type 2A (HSAN2A). Also called: NEUROPATHY, CONGENITAL SENSORY; NEUROPATHY, HEREDITARY SENSORY RADICULAR, AUTOSOMAL RECESSIVE; NEUROPATHY, HEREDITARY SENSORY, TYPE IIA; NEUROPATHY, PROGRESSIVE SENSORY, OF CHILDREN; WNK1-Related HSAN2 (HSAN2A); MORVAN DISEASE. Identifiers: Orphanet 970, MedGen C2752089, MONDO:0024309, OMIM 201300.

Submission:

Labcorp Genetics (formerly Invitae), Labcorp
Classification: Uncertain significance for Neuropathy, hereditary sensory and autonomic, type 2A; Generalized epilepsy with febrile seizures plus, type 7. Last evaluated: 2020-03-04. Review status: criteria provided, single submitter. Criteria: Invitae Variant Classification Sherloc (09022015). Collection method: clinical testing. Allele origin: germline.
Comment: This variant has not been reported in the literature in individuals with SCN9A-related conditions. Algorithms developed to predict the effect of missense changes on protein structure and function (SIFT, PolyPhen-2, Align-GVGD) all suggest that this variant is likely to be tolerated, but these predictions have not been confirmed by published functional studies and their clinical significance is uncertain. In summary, the available evidence is currently insufficient to determine the role of this variant in disease. Therefore, it has been classified as a Variant of Uncertain Significance. This variant is not present in population databases (ExAC no frequency). This sequence change replaces phenylalanine with tyrosine at codon 98 of the SCN9A protein (p.Phe98Tyr). The phenylalanine residue is highly conserved and there is a small physicochemical difference between phenylalanine and tyrosine.